The following is an entry in ClinVar:

NM_014000.3(VCL):c.2672G>C (p.Gly891Ala)

Gene: VCL (vinculin; plus strand). Cytogenetic location: 10q22.2.
Variant type: single nucleotide variant.
Coding change: c.2672G>C on transcript NM_014000.3 (MANE Select); coding-DNA position 2672, G replaced by C.
Protein change: p.Gly891Ala; replaces glycine 891 with alanine.
Molecular consequence: missense variant.
Genome position (GRCh38, 1-based): chr10:74,109,083, G>C. VCF-style: chr10-74109083-G-C. GRCh37 (hg19) VCF-style: chr10-75868841-G-C.
Other names: c.2672G>C, p.Gly891Ala (NM_003373.4); short protein forms G891A.
Identifiers: ClinVar variation 166553 (VCV000166553.5), dbSNP rs727503740, ClinGen allele CA179615.

ClinVar aggregate classification (germline): Uncertain significance (1 of 4 stars; one submission).

Allele frequency attached by ClinVar (database versions not stated): gnomAD exomes below 0.00001.
gnomAD v4.1: 1 of 1,614,112 alleles (0.000062%); highest among the groups gnomAD compares: Non-Finnish European, 0.000085%; no homozygotes.

Submission:

Laboratory for Molecular Medicine, Mass General Brigham Personalized Medicine
Classification: Uncertain significance. Last evaluated: 2013-04-26. Review status: criteria provided, single submitter. Criteria: LMM Criteria. Collection method: clinical testing. Allele origin: germline. Observed: 1 variant allele.
Comment: The Gly891Ala variant in VCL has not been reported in individuals with cardiomyo pathy or in large population studies. Computational analyses (biochemical amino acid properties, conservation, AlignGVGD, PolyPhen2, and SIFT) do not provide st rong support for or against an impact to the protein. At this time, additional i nformation is needed to fully assess the clinical significance of this variant.